The following is an entry in ClinVar:

ClinVar aggregate classification (germline): Uncertain significance (1 of 4 stars; one submission).

Allele frequency attached by ClinVar (database versions not stated): gnomAD exomes below 0.00001; gnomAD 0.00001.
gnomAD v4.1: 4 of 1,613,668 alleles (0.00025%); highest among the groups gnomAD compares: East Asian, 0.0022%; no homozygotes.

Submission:

Labcorp Genetics (formerly Invitae), Labcorp
Classification: Uncertain significance. Last evaluated: 2023-10-09. Review status: criteria provided, single submitter. Criteria: Invitae Variant Classification Sherloc (09022015). Collection method: clinical testing. Allele origin: germline.
Comment: This sequence change falls in intron 1 of the IL18BP gene. It does not directly change the encoded amino acid sequence of the IL18BP protein. This variant is present in population databases (no rsID available, gnomAD 0.06%). This variant has not been reported in the literature in individuals affected with IL18BP-related conditions. In summary, the available evidence is currently insufficient to determine the role of this variant in disease. Therefore, it has been classified as a Variant of Uncertain Significance.

NM_001039660.2(IL18BP):c.28+16A>G

Gene: IL18BP (interleukin 18 binding protein; plus strand). Cytogenetic location: 11q13.4.
Variant type: single nucleotide variant.
Coding change: c.28+16A>G on transcript NM_001039660.2 (MANE Select); 16 bases into the intron after coding-DNA position 28, A replaced by G.
Molecular consequence: intron variant.
Genome position (GRCh38, 1-based): chr11:72,000,028, A>G. VCF-style: chr11-72000028-A-G. GRCh37 (hg19) VCF-style: chr11-71711074-A-G.
Other names: c.28+16A>G (NM_001145057.1, NM_001145055.1, NM_001039659.2 and 3 more transcripts).
Identifiers: ClinVar variation 2731128 (VCV002731128.3), dbSNP rs1222095976, ClinGen allele CA600072493.